The following is an entry in ClinVar:

ClinVar aggregate classification (germline): Uncertain significance (1 of 4 stars; one submission).

Allele frequency attached by ClinVar (database versions not stated): ExAC 0.00002; gnomAD exomes 0.00002.
gnomAD v4.1: 3 of 1,613,938 alleles (0.00019%); highest among the groups gnomAD compares: Admixed American, 0.005%; no homozygotes.

Submission:

Labcorp Genetics (formerly Invitae), Labcorp
Classification: Uncertain significance. Last evaluated: 2021-09-03. Review status: criteria provided, single submitter. Criteria: Invitae Variant Classification Sherloc (09022015). Collection method: clinical testing. Allele origin: germline.
Comment: This sequence change replaces leucine with phenylalanine at codon 527 of the TAPT1 protein (p.Leu527Phe). The leucine residue is moderately conserved and there is a small physicochemical difference between leucine and phenylalanine. This variant is present in population databases (rs777380785, ExAC 0.02%). This variant has not been reported in the literature in individuals affected with TAPT1-related conditions. Algorithms developed to predict the effect of missense changes on protein structure and function are either unavailable or do not agree on the potential impact of this missense change (SIFT: "Tolerated"; PolyPhen-2: "Possibly Damaging"; Align-GVGD: "Class C0"). In summary, the available evidence is currently insufficient to determine the role of this variant in disease. Therefore, it has been classified as a Variant of Uncertain Significance.

NM_153365.3(TAPT1):c.1581G>C (p.Leu527Phe)

Gene: TAPT1 (transmembrane anterior posterior transformation 1; minus strand). Cytogenetic location: 4p15.32.
Variant type: single nucleotide variant.
Coding change: c.1581G>C on transcript NM_153365.3 (MANE Select); coding-DNA position 1581, G replaced by C.
Protein change: p.Leu527Phe; replaces leucine 527 with phenylalanine.
Molecular consequence: missense variant.
Genome position (GRCh38, 1-based): chr4:16,163,431, C>G on the plus strand (G>C on the coding strand, the complement: TAPT1 is on the minus strand). VCF-style: chr4-16163431-C-G. GRCh37 (hg19) VCF-style: chr4-16165054-C-G.
Other names: short protein forms L527F.
Identifiers: ClinVar variation 1525915 (VCV001525915.3), dbSNP rs777380785, ClinGen allele CA2867246.